The following is an entry in ClinVar:

ClinVar aggregate classification (germline): Uncertain significance (1 of 4 stars; one submission).

Conditions:
Familial thoracic aortic aneurysm and aortic dissection (TAAD). Also called: Thoracic aortic aneurysms and dissections. Identifiers: Orphanet 91387, MedGen C4707243, MONDO:0019625.

gnomAD v4.1: 4 of 1,612,708 alleles (0.00025%); highest among the groups gnomAD compares: African/African-American, 0.0053%; no homozygotes.

Submission:

Ambry Genetics
Classification: Uncertain significance for Familial thoracic aortic aneurysm and aortic dissection. Last evaluated: 2025-02-13. Review status: criteria provided, single submitter. Criteria: Ambry Variant Classification Scheme 2023. Collection method: clinical testing. Allele origin: germline.
Comment: The p.H1376Y variant (also known as c.4126C>T), located in coding exon 32 of the FBN2 gene, results from a C to T substitution at nucleotide position 4126. The histidine at codon 1376 is replaced by tyrosine, an amino acid with similar properties. This amino acid position is highly conserved in available vertebrate species. In addition, this alteration is predicted to be deleterious by in silico analysis. Based on the available evidence, the clinical significance of this variant remains unclear.

NM_001999.4(FBN2):c.4126C>T (p.His1376Tyr)

Gene: FBN2 (fibrillin 2; minus strand). Cytogenetic location: 5q23.3.
Variant type: single nucleotide variant.
Coding change: c.4126C>T on transcript NM_001999.4 (MANE Select); coding-DNA position 4126, C replaced by T.
Protein change: p.His1376Tyr; replaces histidine 1376 with tyrosine.
Molecular consequence: missense variant.
Genome position (GRCh38, 1-based): chr5:128,333,008, G>A on the plus strand (C>T on the coding strand, the complement: FBN2 is on the minus strand). VCF-style: chr5-128333008-G-A. GRCh37 (hg19) VCF-style: chr5-127668700-G-A.
Other names: short protein forms H1376Y.
Identifiers: ClinVar variation 3849209 (VCV003849209.1).